The following is an entry in ClinVar:

NM_000720.4(CACNA1D):c.1528_1529delinsGT (p.Arg510Val)

Gene: CACNA1D (calcium voltage-gated channel subunit alpha1 D; plus strand). Cytogenetic location: 3p21.1.
Variant type: Indel.
Coding change: c.1528_1529delinsGT on transcript NM_000720.4 (MANE Plus Clinical); coding-DNA positions 1528 to 1529, CG replaced by GT.
Protein change: p.Arg510Val; replaces arginine 510 with valine.
Molecular consequence: missense variant. On other transcripts: intron variant (2).
Genome position (GRCh38, 1-based): chr3:53,718,731-53,718,732, CG replaced by GT. VCF-style: chr3-53718731-CG-GT. GRCh37 (hg19) VCF-style: chr3-53752758-CG-GT.
Other names: c.1478+343_1478+344delinsGT (NM_001128840.3, NM_001128839.3); short protein forms R510V.
Identifiers: ClinVar variation 1474747 (VCV001474747.10), dbSNP rs2108685285, ClinGen allele CA2573137373.

ClinVar aggregate classification (germline): Uncertain significance. Review status: criteria provided, multiple submitters, no conflicts (2 of 4 stars). 3 submissions from 3 submitters: Uncertain significance (3). Last evaluated 2025-10-07.

Submissions (3):

Women's Health and Genetics/Laboratory Corporation of America, LabCorp
Classification: Uncertain significance. Last evaluated: 2025-10-07. Review status: criteria provided, single submitter. Criteria: LabCorp Variant Classification Summary - May 2015. Collection method: clinical testing. Allele origin: germline.
Comment: Variant summary: CACNA1D c.1528_1529delinsGT (p.Arg510Val) results in a non-conservative amino acid change in the encoded protein sequence. Algorithms developed to predict the effect of missense changes on protein structure and function all suggest that this variant is likely to be disruptive. The variant was absent in 162784 control chromosomes. The available data on variant occurrences in the general population are insufficient to allow any conclusion about variant significance. To our knowledge, no occurrence of c.1528_1529delinsGT in individuals affected with CACNA1D-related conditions and no experimental evidence demonstrating its impact on protein function have been reported. ClinVar contains an entry for this variant (Variation ID: 1474747). Based on the evidence outlined above, the variant was classified as uncertain significance.

Labcorp Genetics (formerly Invitae), Labcorp
Classification: Uncertain significance. Last evaluated: 2025-01-20. Review status: criteria provided, single submitter. Criteria: Invitae Variant Classification Sherloc (09022015). Collection method: clinical testing. Allele origin: germline.
Comment: This sequence change replaces arginine, which is basic and polar, with valine, which is neutral and non-polar, at codon 510 of the CACNA1D protein (p.Arg510Val). Information on the frequency of this variant in the gnomAD database is not available, as this variant may be reported differently in the database. This variant has not been reported in the literature in individuals affected with CACNA1D-related conditions. ClinVar contains an entry for this variant (Variation ID: 1474747). An algorithm developed to predict the effect of missense changes on protein structure and function (PolyPhen-2) suggests that this variant is likely to be tolerated. In summary, the available evidence is currently insufficient to determine the role of this variant in disease. Therefore, it has been classified as a Variant of Uncertain Significance.

Blueprint Genetics
Classification: Uncertain significance. Last evaluated: 2018-11-11. Review status: criteria provided, single submitter. Criteria: ACMG Guidelines, 2015. Collection method: clinical testing. Allele origin: germline.